The following is an entry in ClinVar:

NM_004036.5(ADCY3):c.36C>T (p.Tyr12=)

Gene: ADCY3 (adenylate cyclase 3; minus strand). Cytogenetic location: 2p23.3.
Variant type: single nucleotide variant.
Coding change: c.36C>T on transcript NM_004036.5 (MANE Select); coding-DNA position 36, C replaced by T.
Protein change: p.Tyr12=; no amino-acid change (tyrosine 12 retained).
Molecular consequence: synonymous variant.
Genome position (GRCh38, 1-based): chr2:24,918,952, G>A on the plus strand (C>T on the coding strand, the complement: ADCY3 is on the minus strand). VCF-style: chr2-24918952-G-A. GRCh37 (hg19) VCF-style: chr2-25141821-G-A.
Other names: c.36C>T, p.Tyr12= (NM_001320613.2, NM_001377128.1, NM_001377129.1 and 2 more transcripts).
Identifiers: ClinVar variation 3355860 (VCV003355860.1).

ClinVar aggregate classification (germline): Likely benign (0 of 4 stars; one submission).

Conditions:
ADCY3-related disorder. Also called: ADCY3-related condition.

gnomAD v4.1: 4 of 1,605,890 alleles (0.00025%); highest among the groups gnomAD compares: Non-Finnish European, 0.00034%; no homozygotes.

Submission:

PreventionGenetics, part of Exact Sciences
Classification: Likely benign for ADCY3-related condition. Last evaluated: 2021-08-25. Review status: no assertion criteria provided. Collection method: clinical testing. Allele origin: germline.
Comment: This variant is classified as likely benign based on ACMG/AMP sequence variant interpretation guidelines (Richards et al. 2015 PMID: 25741868, with internal and published modifications).